The following is an entry in ClinVar:

ClinVar aggregate classification (germline): Benign/Likely benign. Review status: criteria provided, multiple submitters, no conflicts (2 of 4 stars). 5 submissions from 5 submitters: Benign (1); Likely benign (4). Last evaluated 2026-01-19.

Conditions:
Cardiovascular phenotype. Identifiers: MedGen CN230736.

Allele frequency attached by ClinVar (database versions not stated): gnomAD exomes 0.00013 and 0.00034; gnomAD 0.00015; 1000 Genomes Project 30x 0.00016; TOPMed 0.00018; 1000 Genomes Project 0.00020; ExAC 0.00041.
gnomAD v4.1: 215 of 1,539,452 alleles (0.014%); highest among the groups gnomAD compares: Admixed American, 0.0099%; no homozygotes.

Submissions (5):

Labcorp Genetics (formerly Invitae), Labcorp
Classification: Likely benign. Last evaluated: 2026-01-19. Review status: criteria provided, single submitter. Criteria: Invitae Variant Classification Sherloc (09022015). Collection method: clinical testing. Allele origin: germline.

CeGaT Center for Human Genetics Tuebingen
Classification: Likely benign. Last evaluated: 2024-01-01. Review status: criteria provided, single submitter. Criteria: CeGaT Center For Human Genetics Tuebingen Variant Classification Criteria Version 2. Collection method: clinical testing. Allele origin: germline. Affected: yes. Observed: 1 variant allele.
Comment: ZNF469: BP4, BP7

GeneDx
Classification: Likely benign. Last evaluated: 2021-07-15. Review status: criteria provided, single submitter. Criteria: GeneDx Variant Classification Process June 2021. Collection method: clinical testing. Allele origin: germline. Affected: yes.

Ambry Genetics
Classification: Benign for Cardiovascular phenotype. Last evaluated: 2020-08-31. Review status: criteria provided, single submitter. Criteria: Ambry Variant Classification Scheme 2023. Collection method: clinical testing. Allele origin: germline.

Breakthrough Genomics
Classification: Likely benign. Review status: criteria provided, single submitter. Criteria: ACMG Guidelines, 2015. Collection method: not provided. Allele origin: germline. Inheritance: Autosomal recessive inheritance. Affected: yes.

NM_001367624.2(ZNF469):c.9900C>A (p.Gly3300=)

Gene: ZNF469 (zinc finger protein 469; plus strand). Cytogenetic location: 16q24.2.
Variant type: single nucleotide variant.
Coding change: c.9900C>A on transcript NM_001367624.2 (MANE Select); coding-DNA position 9900, C replaced by A.
Protein change: p.Gly3300=; no amino-acid change (glycine 3300 retained).
Molecular consequence: synonymous variant.
Genome position (GRCh38, 1-based): chr16:88,437,370, C>A. VCF-style: chr16-88437370-C-A. GRCh37 (hg19) VCF-style: chr16-88503778-C-A.
Other names: NM_001127464.1:c.9816C>A.
Identifiers: ClinVar variation 1216743 (VCV001216743.33), dbSNP rs569542889, ClinGen allele CA8225464.